The following is an entry in ClinVar:

ClinVar aggregate classification (germline): Benign. Review status: reviewed by expert panel (3 of 4 stars). 6 submissions from 6 submitters: Benign (1). 5 of the submissions do not count toward it. Last evaluated 2024-09-17.

Conditions:
RASopathy. Also called: Noonan spectrum disorder; rasopathies. Identifiers: Orphanet 536391, MedGen C5555857, MONDO:0021060.
Noonan syndrome 12. Identifiers: MedGen C5231432, MONDO:0032839, OMIM 618624.

Allele frequency attached by ClinVar (database versions not stated): 1000 Genomes Project 0.33846; TOPMed 0.37831; 1000 Genomes Project 30x 0.33666; ESP Exome Variant Server 0.36449; ExAC 0.41645.
gnomAD v4.1: 676,117 of 1,562,852 alleles (43%); highest among the groups gnomAD compares: Admixed American, 57%; 150,804 homozygotes.

Submissions (6):

ClinGen RASopathy Variant Curation Expert Panel
Classification: Benign for RASopathy. Last evaluated: 2024-09-17. Review status: reviewed by expert panel. Criteria: ClinGen RASopathy ACMG Specifications RRAS2 V1.1.0. Collection method: curation. Allele origin: germline. Inheritance: Autosomal dominant inheritance.
Comment: The c.409-16A>T variant in RRAS2 is an intronic variant which is located in intron 4. It is not predicted by SpliceAI to impact splicing. In addition, it occurs at a nucleotide that is not conserved as shown by UCSC Genome Browser (BP4, BP7). The highest population filtering allele frequency in gnomAD v2.1.1 is 0.6134 (97382/231122 alleles) in the Latino/Admixed American population, which is higher than the ClinGen RASopathy VCEP threshold (>0.0005) for BA1, and therefore meets this criterion (BA1). In summary, this variant meets the criteria to be classified as benign for autosomal dominant RASopathy based on the ACMG/AMP criteria applied, as specified by the ClinGen RASopathy VCEP: BA1, BP4, BP7. (RASopathy VCEP specifications version 1.1; 9/17/2024)

Women's Health and Genetics/Laboratory Corporation of America, LabCorp
Classification: Benign. Last evaluated: 2026-05-08. Review status: criteria provided, single submitter. Criteria: LabCorp Variant Classification Summary - May 2015. Collection method: clinical testing. Allele origin: germline. Not counted in ClinVar's aggregate classification.

Labcorp Genetics (formerly Invitae), Labcorp
Classification: Benign. Last evaluated: 2026-02-04. Review status: criteria provided, single submitter. Criteria: Invitae Variant Classification Sherloc (09022015). Collection method: clinical testing. Allele origin: germline. Not counted in ClinVar's aggregate classification.

Genome-Nilou Lab
Classification: Benign for Noonan syndrome 12. Last evaluated: 2021-11-07. Review status: criteria provided, single submitter. Criteria: ACMG Guidelines, 2015. Collection method: clinical testing. Allele origin: germline. Affected: no. Not counted in ClinVar's aggregate classification.

GeneDx
Classification: Benign. Last evaluated: 2021-05-14. Review status: criteria provided, single submitter. Criteria: GeneDx Variant Classification Process June 2021. Collection method: clinical testing. Allele origin: germline. Affected: yes. Not counted in ClinVar's aggregate classification.

Breakthrough Genomics
Classification: Benign. Review status: criteria provided, single submitter. Criteria: ACMG Guidelines, 2015. Collection method: not provided. Allele origin: germline. Inheritance: Autosomal dominant inheritance. Affected: yes. Not counted in ClinVar's aggregate classification.

NM_012250.6(RRAS2):c.409-16A>T

Gene: RRAS2 (RAS related 2; minus strand). Cytogenetic location: 11p15.2.
Variant type: single nucleotide variant.
Coding change: c.409-16A>T on transcript NM_012250.6 (MANE Select); 16 bases into the intron before coding-DNA position 409, A replaced by T.
Molecular consequence: intron variant.
Genome position (GRCh38, 1-based): chr11:14,281,736, T>A on the plus strand (A>T on the coding strand, the complement: RRAS2 is on the minus strand). VCF-style: chr11-14281736-T-A. GRCh37 (hg19) VCF-style: chr11-14303282-T-A.
Other names: c.409-16A>T (NM_001440708.1); c.178-16A>T (NM_001102669.3, NM_001440711.1, NM_001440715.1 and 6 more transcripts); c.304-16A>T (NM_001177314.2).
Identifiers: ClinVar variation 1270813 (VCV001270813.15), dbSNP rs2303972, ClinGen allele CA5894276.
Genomic context (GRCh38, chr11:14,281,736, plus strand): 5'-TACCTTAAGCTGCCGTGCTAACTGTTGTCCTTCTTCCTGTGTTACCTGAAATTCCAACAG[T>A]TATGTTTATGGTACATTATTAACAACTGGATTTGTTCCATCTAATCCTGGCCACAGATTG-3'